The following is an entry in ClinVar:

ClinVar aggregate classification (germline): Uncertain significance (1 of 4 stars; one submission).

Conditions:
Rhabdoid tumor predisposition syndrome 2 (RTPS2). Identifiers: Orphanet 231108, Orphanet 69077, MedGen C2750074, MONDO:0013224, OMIM 613325.

Submission:

Labcorp Genetics (formerly Invitae), Labcorp
Classification: Uncertain significance for Rhabdoid tumor predisposition syndrome 2. Last evaluated: 2024-04-22. Review status: criteria provided, single submitter. Criteria: Invitae Variant Classification Sherloc (09022015). Collection method: clinical testing. Allele origin: germline.
Comment: This sequence change replaces phenylalanine, which is neutral and non-polar, with leucine, which is neutral and non-polar, at codon 1367 of the SMARCA4 protein (p.Phe1367Leu). This variant is not present in population databases (gnomAD no frequency). This variant has not been reported in the literature in individuals affected with SMARCA4-related conditions. ClinVar contains an entry for this variant (Variation ID: 1367504). Advanced modeling of protein sequence and biophysical properties (such as structural, functional, and spatial information, amino acid conservation, physicochemical variation, residue mobility, and thermodynamic stability) performed at Invitae indicates that this missense variant is not expected to disrupt SMARCA4 protein function with a negative predictive value of 95%. In summary, the available evidence is currently insufficient to determine the role of this variant in disease. Therefore, it has been classified as a Variant of Uncertain Significance.

NM_003072.5(SMARCA4):c.4099T>C (p.Phe1367Leu)

Gene: SMARCA4 (SWI/SNF related BAF chromatin remodeling complex subunit ATPase 4; plus strand). Cytogenetic location: 19p13.2.
Variant type: single nucleotide variant.
Coding change: c.4099T>C on transcript NM_003072.5 (MANE Select); coding-DNA position 4099, T replaced by C.
Protein change: p.Phe1367Leu; replaces phenylalanine 1367 with leucine.
Molecular consequence: missense variant. On other transcripts: non-coding transcript variant (1).
Genome position (GRCh38, 1-based): chr19:11,035,061, T>C. VCF-style: chr19-11035061-T-C. GRCh37 (hg19) VCF-style: chr19-11145737-T-C.
Other names: c.4099T>C, p.Phe1367Leu (NM_001128844.3, NM_001128849.3, NM_001387283.1); c.4000T>C, p.Phe1334Leu (NM_001128845.2, NM_001128846.2, NM_001128847.4 and 2 more transcripts); short protein forms F1334L, F1367L.
Identifiers: ClinVar variation 1367504 (VCV001367504.8), dbSNP rs2146701825, ClinGen allele CA404068325.